The following is an entry in ClinVar:

NM_006389.5(HYOU1):c.1309G>A (p.Val437Ile)

Genes: HYOU1 (hypoxia up-regulated 1; minus strand), LOC130006884 (ATAC-STARR-seq lymphoblastoid active region 5617; plus strand). Cytogenetic location: 11q23.3.
Variant type: single nucleotide variant.
Coding change: c.1309G>A on transcript NM_006389.5 (MANE Select); coding-DNA position 1309, G replaced by A.
Protein change: p.Val437Ile; replaces valine 437 with isoleucine.
Molecular consequence: missense variant.
Genome position (GRCh38, 1-based): chr11:119,051,848, C>T on the plus strand (G>A on the coding strand, the complement: HYOU1 is on the minus strand). VCF-style: chr11-119051848-C-T. GRCh37 (hg19) VCF-style: chr11-118922560-C-T.
Other names: c.1309G>A, p.Val437Ile (NM_001130991.3, NM_001411041.1); c.1309G>A (NM_006389.3); short protein forms V437I.
Identifiers: ClinVar variation 2431502 (VCV002431502.5), dbSNP rs150229065, ClinGen allele CA229622445.

ClinVar aggregate classification (germline): Uncertain significance. Review status: criteria provided, multiple submitters, no conflicts (2 of 4 stars). 3 submissions from 3 submitters: Uncertain significance (3). Last evaluated 2025-12-16.

Conditions:
Granulocytopenia with immunoglobulin abnormality. Identifiers: MedGen C1856263, MONDO:0009305, OMIM 233600.

Allele frequency attached by ClinVar (database versions not stated): gnomAD 0.00007; TOPMed 0.00008; 1000 Genomes Project 30x 0.00047.
gnomAD v4.1: 89 of 1,614,158 alleles (0.0055%); highest among the groups gnomAD compares: Middle Eastern, 0.12%; no homozygotes.

Submissions (3):

Labcorp Genetics (formerly Invitae), Labcorp
Classification: Uncertain significance. Last evaluated: 2025-12-16. Review status: criteria provided, single submitter. Criteria: Invitae Variant Classification Sherloc (09022015). Collection method: clinical testing. Allele origin: germline.
Comment: This sequence change replaces valine, which is neutral and non-polar, with isoleucine, which is neutral and non-polar, at codon 437 of the HYOU1 protein (p.Val437Ile). This variant is present in population databases (rs150229065, gnomAD 0.01%). This variant has not been reported in the literature in individuals affected with HYOU1-related conditions. ClinVar contains an entry for this variant (Variation ID: 2431502). An algorithm developed to predict the effect of missense changes on protein structure and function outputs the following: PolyPhen-2: "Benign". The isoleucine amino acid residue is found in multiple mammalian species, which suggests that this missense change does not adversely affect protein function. In summary, the available evidence is currently insufficient to determine the role of this variant in disease. Therefore, it has been classified as a Variant of Uncertain Significance.

Ambry Genetics
Classification: Uncertain significance. Last evaluated: 2025-08-07. Review status: criteria provided, single submitter. Criteria: Ambry Variant Classification Scheme 2023. Collection method: clinical testing. Allele origin: germline.

Laboratorio de Genetica e Diagnostico Molecular, Hospital Israelita Albert Einstein
Classification: Uncertain significance for Granulocytopenia with immunoglobulin abnormality. Last evaluated: 2023-02-03. Review status: criteria provided, single submitter. Criteria: ACMG Guidelines, 2015. Collection method: clinical testing. Allele origin: germline. Affected: yes. Observed: 1 variant allele.
Comment: ACMG classification criteria: PM2 supporting, BP4 supporting